The following is an entry in ClinVar:

ClinVar aggregate classification (germline): Likely benign. Review status: criteria provided, multiple submitters, no conflicts (2 of 4 stars). 3 submissions from 3 submitters: Likely benign (3). Last evaluated 2025-05-12.

Conditions:
Tuberous sclerosis syndrome (TSC). Also called: Tuberous Sclerosis Complex; Tuberous sclerosis. Identifiers: Orphanet 805, MedGen C0041341, MONDO:0001734.
Tuberous sclerosis 2 (TSC2). Identifiers: Orphanet 805, MedGen C1860707, MONDO:0013199, OMIM 613254.

Submissions (3):

Myriad Genetics, Inc.
Classification: Likely benign for Tuberous sclerosis 2. Last evaluated: 2025-05-12. Review status: criteria provided, single submitter. Criteria: Myriad Autosomal Dominant, Autosomal Recessive and X-Linked Classification Criteria (2023). Collection method: clinical testing. Allele origin: unknown.
Comment: This variant is considered likely benign. This variant is intronic and is not expected to impact mRNA splicing.

Labcorp Genetics (formerly Invitae), Labcorp
Classification: Likely benign for Tuberous sclerosis 2. Last evaluated: 2025-04-08. Review status: criteria provided, single submitter. Criteria: Invitae Variant Classification Sherloc (09022015). Collection method: clinical testing. Allele origin: germline.

All of Us Research Program, National Institutes of Health
Classification: Likely benign for Tuberous sclerosis syndrome. Last evaluated: 2024-02-22. Review status: criteria provided, single submitter. Criteria: ACMG Guidelines, 2015. Collection method: clinical testing. Allele origin: germline. Inheritance: Autosomal dominant inheritance. Observed: 1 variant allele, 1 heterozygote.
Comment: This study involves interpretation of variants in research participants for the purpose of population health screening. Participant phenotype was not available at the time of variant classification. Additional details can be found in publication PMID: 35346344, PMCID: PMC8962531

NM_000548.5(TSC2):c.976-14G>C

Gene: TSC2 (TSC complex subunit 2; plus strand). Cytogenetic location: 16p13.3.
Variant type: single nucleotide variant.
Coding change: c.976-14G>C on transcript NM_000548.5 (MANE Select); 14 bases into the intron before coding-DNA position 976, G replaced by C.
Molecular consequence: intron variant.
Genome position (GRCh38, 1-based): chr16:2,060,656, G>C. VCF-style: chr16-2060656-G-C. GRCh37 (hg19) VCF-style: chr16-2110657-G-C.
Other names: c.976-14G>C (NM_001114382.3, NM_021055.3, NM_001370405.1 and 3 more transcripts); c.865-14G>C (NM_001318827.2); c.376-14G>C (NM_001318831.2); c.829-14G>C (NM_001318829.2); c.1009-14G>C (NM_001318832.2).
Identifiers: ClinVar variation 1588414 (VCV001588414.10), dbSNP rs397515186, ClinGen allele CA2573151532.